The following is an entry in ClinVar:

NM_001358530.2(MOCS1):c.823T>A (p.Trp275Arg)

Gene: MOCS1 (molybdenum cofactor synthesis 1; minus strand). Cytogenetic location: 6p21.2.
Variant type: single nucleotide variant.
Coding change: c.823T>A on transcript NM_001358530.2 (MANE Select); coding-DNA position 823, T replaced by A.
Protein change: p.Trp275Arg; replaces tryptophan 275 with arginine.
Molecular consequence: missense variant. On other transcripts: non-coding transcript variant (1).
Genome position (GRCh38, 1-based): chr6:39,912,939, A>T on the plus strand (T>A on the coding strand, the complement: MOCS1 is on the minus strand). VCF-style: chr6-39912939-A-T. GRCh37 (hg19) VCF-style: chr6-39880683-A-T.
Other names: c.823T>A, p.Trp275Arg (NM_001075098.4, NM_001358529.2, NM_005943.6); c.562T>A, p.Trp188Arg (NM_001358531.2, NM_001358533.2, NM_001358534.2); c.823T>A (NM_005943.5); short protein forms W188R, W275R.
Identifiers: ClinVar variation 2428452 (VCV002428452.4), dbSNP rs779576648, ClinGen allele CA3796139.

ClinVar aggregate classification (germline): Uncertain significance. Review status: criteria provided, multiple submitters, no conflicts (2 of 4 stars). 3 submissions from 3 submitters: Uncertain significance (3). Last evaluated 2025-05-15.

Conditions:
Sulfite oxidase deficiency due to molybdenum cofactor deficiency type A. Also called: Molybdenum cofactor deficiency, complementation group A; Molybdenum Cofactor Deficiency A. Identifiers: Orphanet 308386, Orphanet 833, MedGen C1854988, MONDO:0009643, OMIM 252150.
Inborn genetic diseases. Identifiers: MedGen C0950123, MeSH D030342.

gnomAD v4.1: 15 of 1,614,092 alleles (0.00093%); highest among the groups gnomAD compares: South Asian, 0.014%; 1 homozygote.

Submissions (3):

Ambry Genetics
Classification: Uncertain significance for Inborn genetic diseases. Last evaluated: 2025-05-15. Review status: criteria provided, single submitter. Criteria: Ambry Variant Classification Scheme 2023. Collection method: clinical testing. Allele origin: germline.

Labcorp Genetics (formerly Invitae), Labcorp
Classification: Uncertain significance for Sulfite oxidase deficiency due to molybdenum cofactor deficiency type A. Last evaluated: 2022-11-01. Review status: criteria provided, single submitter. Criteria: Invitae Variant Classification Sherloc (09022015). Collection method: clinical testing. Allele origin: germline.
Comment: This sequence change replaces tryptophan, which is neutral and slightly polar, with arginine, which is basic and polar, at codon 275 of the MOCS1 protein (p.Trp275Arg). This variant is present in population databases (rs779576648, gnomAD 0.04%), including at least one homozygous and/or hemizygous individual. This variant has not been reported in the literature in individuals affected with MOCS1-related conditions. Algorithms developed to predict the effect of missense changes on protein structure and function are either unavailable or do not agree on the potential impact of this missense change (SIFT: "Not Available"; PolyPhen-2: "Probably Damaging"; Align-GVGD: "Not Available"). In summary, the available evidence is currently insufficient to determine the role of this variant in disease. Therefore, it has been classified as a Variant of Uncertain Significance.

Blueprint Genetics
Classification: Uncertain significance. Last evaluated: 2022-09-15. Review status: criteria provided, single submitter. Criteria: ACMG Guidelines, 2015. Collection method: clinical testing. Allele origin: germline.